The following is an entry in ClinVar:

ClinVar aggregate classification (germline): Likely benign (0 of 4 stars; one submission).

Conditions:
SCN7A-related disorder. Also called: SCN7A-related condition.

Allele frequency attached by ClinVar (database versions not stated): TOPMed 0.00003; gnomAD 0.00012; 1000 Genomes Project 0.00040; 1000 Genomes Project 30x 0.00047.
gnomAD v4.1: 232 of 1,612,852 alleles (0.014%); highest among the groups gnomAD compares: South Asian, 0.23%; 3 homozygotes.

Submission:

PreventionGenetics, part of Exact Sciences
Classification: Likely benign for SCN7A-related condition. Last evaluated: 2022-03-21. Review status: no assertion criteria provided. Collection method: clinical testing. Allele origin: germline.
Comment: This variant is classified as likely benign based on ACMG/AMP sequence variant interpretation guidelines (Richards et al. 2015 PMID: 25741868, with internal and published modifications).

NM_002976.4(SCN7A):c.4072C>T (p.Arg1358Cys)

Gene: SCN7A (sodium voltage-gated channel alpha subunit 7; minus strand). Cytogenetic location: 2q24.3.
Variant type: single nucleotide variant.
Coding change: c.4072C>T on transcript NM_002976.4 (MANE Select); coding-DNA position 4072, C replaced by T.
Protein change: p.Arg1358Cys; replaces arginine 1358 with cysteine.
Molecular consequence: missense variant. On other transcripts: non-coding transcript variant (1).
Genome position (GRCh38, 1-based): chr2:166,406,557, G>A on the plus strand (C>T on the coding strand, the complement: SCN7A is on the minus strand). VCF-style: chr2-166406557-G-A. GRCh37 (hg19) VCF-style: chr2-167263067-G-A.
Other names: short protein forms R1358C.
Identifiers: ClinVar variation 3057552 (VCV003057552.2), dbSNP rs556453626, ClinGen allele CA1945116.